The following is an entry in ClinVar:

NM_017780.4(CHD7):c.8319G>C (p.Met2773Ile)

Gene: CHD7 (chromodomain helicase DNA binding protein 7; plus strand). Cytogenetic location: 8q12.2.
Variant type: single nucleotide variant.
Coding change: c.8319G>C on transcript NM_017780.4 (MANE Select); coding-DNA position 8319, G replaced by C.
Protein change: p.Met2773Ile; replaces methionine 2773 with isoleucine.
Molecular consequence: missense variant.
Genome position (GRCh38, 1-based): chr8:60,865,258, G>C. VCF-style: chr8-60865258-G-C. GRCh37 (hg19) VCF-style: chr8-61777817-G-C.
Other names: c.2172G>C, p.Met724Ile (NM_001316690.1); short protein forms M2773I, M724I.
Identifiers: ClinVar variation 4802752 (VCV004802752.1).
Genomic context (GRCh38, chr8:60,865,258, plus strand): 5'-GGACCTGACGAGCCTTCAGAATCTCCAGAATCTCCAGTCGCTCCAGCTGGCAGGCCTCAT[G>C]GGCTTCCCTCCAGGACTGGCAACAGCTGCCACCGCCGGAGGCGATGCGAAGAACCCTGCT-3'
Protein context (NP_060250.2, residues 2763-2783): NLQSLQLAGL[Met2773Ile]GFPPGLATAA

ClinVar aggregate classification (germline): Uncertain significance (1 of 4 stars; one submission).

Conditions:
CHARGE syndrome (CHARGE). Also called: Hittner Hirsch Kreh syndrome; CHARGE ASSOCIATION--COLOBOMA, HEART ANOMALY, CHOANAL ATRESIA, RETARDATION, GENITAL AND EAR ANOMALIES; Coloboma, heart anomaly, choanal atresia, retardation, genital and ear anomalies; CHARGE association; Hall-Hittner syndrome. Identifiers: Orphanet 138, MedGen C0265354, MONDO:0008965.

Submission:

Labcorp Genetics (formerly Invitae), Labcorp
Classification: Uncertain significance for CHARGE syndrome. Last evaluated: 2025-12-16. Review status: criteria provided, single submitter. Criteria: Invitae Variant Classification Sherloc (09022015). Collection method: clinical testing. Allele origin: germline.
Comment: This sequence change replaces methionine, which is neutral and non-polar, with isoleucine, which is neutral and non-polar, at codon 2773 of the CHD7 protein (p.Met2773Ile). This variant is not present in population databases (gnomAD no frequency). This variant has not been reported in the literature in individuals affected with CHD7-related conditions. Invitae Evidence Modeling of protein sequence and biophysical properties (such as structural, functional, and spatial information, amino acid conservation, physicochemical variation, residue mobility, and thermodynamic stability) indicates that this missense variant is not expected to disrupt CHD7 protein function with a negative predictive value of 95%. In summary, the available evidence is currently insufficient to determine the role of this variant in disease. Therefore, it has been classified as a Variant of Uncertain Significance.